The following is an entry in ClinVar:

NM_000199.5(SGSH):c.232C>T (p.Leu78Phe)

Gene: SGSH (N-sulfoglucosamine sulfohydrolase; minus strand). Cytogenetic location: 17q25.3.
Variant type: single nucleotide variant.
Coding change: c.232C>T on transcript NM_000199.5 (MANE Select); coding-DNA position 232, C replaced by T.
Protein change: p.Leu78Phe; replaces leucine 78 with phenylalanine.
Molecular consequence: missense variant. On other transcripts: non-coding transcript variant (1).
Genome position (GRCh38, 1-based): chr17:80,217,049, G>A on the plus strand (C>T on the coding strand, the complement: SGSH is on the minus strand). VCF-style: chr17-80217049-G-A. GRCh37 (hg19) VCF-style: chr17-78190848-G-A.
Other names: c.232C>T, p.Leu78Phe (NM_001352921.3, NM_001352922.2); short protein forms L78F.
Identifiers: ClinVar variation 1980895 (VCV001980895.1), dbSNP rs1202853710, ClinGen allele CA401364117.

ClinVar aggregate classification (germline): Uncertain significance (1 of 4 stars; one submission).

Conditions:
Mucopolysaccharidosis, MPS-III-A (MPS3A). Also called: HEPARAN SULFATE SULFATASE DEFICIENCY; SANFILIPPO SYNDROME A; SULFAMIDASE DEFICIENCY; MPS III A; Mucopolysaccharidosis type IIIA (Sanfilippo A); Mucopolysaccharidosis, type IIIA. Identifiers: Orphanet 581, Orphanet 79269, MedGen C0086647, MONDO:0009655, OMIM 252900.

Allele frequency attached by ClinVar (database versions not stated): TOPMed 0.00002; gnomAD 0.00002.

Submission:

Labcorp Genetics (formerly Invitae), Labcorp
Classification: Uncertain significance for Mucopolysaccharidosis, MPS-III-A. Last evaluated: 2022-07-11. Review status: criteria provided, single submitter. Criteria: Invitae Variant Classification Sherloc (09022015). Collection method: clinical testing. Allele origin: germline.
Comment: This sequence change replaces leucine, which is neutral and non-polar, with phenylalanine, which is neutral and non-polar, at codon 78 of the SGSH protein (p.Leu78Phe). This variant is present in population databases (no rsID available, gnomAD 0.005%). This variant has not been reported in the literature in individuals affected with SGSH-related conditions. Advanced modeling of protein sequence and biophysical properties (such as structural, functional, and spatial information, amino acid conservation, physicochemical variation, residue mobility, and thermodynamic stability) performed at Invitae indicates that this missense variant is expected to disrupt SGSH protein function. In summary, the available evidence is currently insufficient to determine the role of this variant in disease. Therefore, it has been classified as a Variant of Uncertain Significance.